The following is an entry in ClinVar:

ClinVar aggregate classification (germline): Likely benign (0 of 4 stars; one submission).

Conditions:
NUP133-related disorder. Also called: NUP133-related condition.

gnomAD v4.1: 28 of 1,610,230 alleles (0.0017%); highest among the groups gnomAD compares: African/African-American, 0.011%; no homozygotes.

Submission:

PreventionGenetics, part of Exact Sciences
Classification: Likely benign for NUP133-related condition. Last evaluated: 2022-12-19. Review status: no assertion criteria provided. Collection method: clinical testing. Allele origin: germline.
Comment: This variant is classified as likely benign based on ACMG/AMP sequence variant interpretation guidelines (Richards et al. 2015 PMID: 25741868, with internal and published modifications).

NM_018230.3(NUP133):c.789T>C (p.Phe263=)

Gene: NUP133 (nucleoporin 133; minus strand). Cytogenetic location: 1q42.13.
Variant type: single nucleotide variant.
Coding change: c.789T>C on transcript NM_018230.3 (MANE Select); coding-DNA position 789, T replaced by C.
Protein change: p.Phe263=; no amino-acid change (phenylalanine 263 retained).
Molecular consequence: synonymous variant.
Genome position (GRCh38, 1-based): chr1:229,498,166, A>G on the plus strand (T>C on the coding strand, the complement: NUP133 is on the minus strand). VCF-style: chr1-229498166-A-G. GRCh37 (hg19) VCF-style: chr1-229633913-A-G.
Identifiers: ClinVar variation 3357695 (VCV003357695.1).
Genomic context (GRCh38, chr1:229,498,166, plus strand): 5'-GCTTGTAAAATAGTTATTTTATAAACTTACTGTGAGATCACTACTAGGAGATAAAATTCC[A>G]AAAAGAGAAGAAACTTTTCGACCAATTCCTGAAAGCATGCCTTGCCCCTGAGGCAGGATA-3'
Protein context (NP_060700.2, residues 253-273): SGIGRKVSSL[Phe263=]GILSPSSDLT